The following is an entry in ClinVar:

NM_005918.4(MDH2):c.293T>G (p.Ile98Ser)

Gene: MDH2 (malate dehydrogenase 2; plus strand). Cytogenetic location: 7q11.23.
Variant type: single nucleotide variant.
Coding change: c.293T>G on transcript NM_005918.4 (MANE Select); coding-DNA position 293, T replaced by G.
Protein change: p.Ile98Ser; replaces isoleucine 98 with serine.
Molecular consequence: missense variant. On other transcripts: 5 prime UTR variant (1).
Genome position (GRCh38, 1-based): chr7:76,057,467, T>G. VCF-style: chr7-76057467-T-G. GRCh37 (hg19) VCF-style: chr7-75686785-T-G.
Other names: c.293T>G, p.Ile98Ser (NM_001282403.2); c.-29T>G (NM_001282404.2); short protein forms I98S.
Identifiers: ClinVar variation 1797906 (VCV001797906.2), dbSNP rs2535857942, ClinGen allele CA367763556.

ClinVar aggregate classification (germline): Uncertain significance (1 of 4 stars; one submission).

Conditions:
Inborn genetic diseases. Identifiers: MedGen C0950123, MeSH D030342.

Submission:

Ambry Genetics
Classification: Uncertain significance for Inborn genetic diseases. Last evaluated: 2022-08-23. Review status: criteria provided, single submitter. Criteria: Ambry Variant Classification Scheme 2023. Collection method: clinical testing. Allele origin: germline.
Comment: The p.I98S variant (also known as c.293T>G), located in coding exon 3 of the MDH2 gene, results from a T to G substitution at nucleotide position 293. The isoleucine at codon 98 is replaced by serine, an amino acid with dissimilar properties. This amino acid position is conserved. In addition, this alteration is predicted to be deleterious by in silico analysis. Since supporting evidence is limited at this time, the clinical significance of this alteration remains unclear.